The following is an entry in ClinVar:

ClinVar aggregate classification (germline): Uncertain significance (1 of 4 stars; one submission).

Conditions:
Familial adenomatous polyposis 1 (FAP1). Also called: FAMILIAL ADENOMATOUS POLYPOSIS 1, ATTENUATED; POLYPOSIS, ADENOMATOUS INTESTINAL. Identifiers: MedGen C2713442, MONDO:0021056, OMIM 175100. Disease mechanism: loss of function.

Submission:

Labcorp Genetics (formerly Invitae), Labcorp
Classification: Uncertain significance for Familial adenomatous polyposis 1. Last evaluated: 2021-01-28. Review status: criteria provided, single submitter. Criteria: Invitae Variant Classification Sherloc (09022015). Collection method: clinical testing. Allele origin: germline.
Comment: In summary, the available evidence is currently insufficient to determine the role of this variant in disease. Therefore, it has been classified as a Variant of Uncertain Significance. Algorithms developed to predict the effect of missense changes on protein structure and function (SIFT, PolyPhen-2, Align-GVGD) all suggest that this variant is likely to be tolerated, but these predictions have not been confirmed by published functional studies and their clinical significance is uncertain. This variant has not been reported in the literature in individuals with APC-related conditions. This variant is not present in population databases (ExAC no frequency). This sequence change replaces valine with leucine at codon 1115 of the APC protein (p.Val1115Leu). The valine residue is moderately conserved and there is a small physicochemical difference between valine and leucine.

NM_000038.6(APC):c.3343G>T (p.Val1115Leu)

Gene: APC (APC regulator of Wnt signaling pathway; plus strand). Cytogenetic location: 5q22.2.
Variant type: single nucleotide variant.
Coding change: c.3343G>T on transcript NM_000038.6 (MANE Select); coding-DNA position 3343, G replaced by T.
Protein change: p.Val1115Leu; replaces valine 1115 with leucine.
Molecular consequence: missense variant.
Genome position (GRCh38, 1-based): chr5:112,838,937, G>T. VCF-style: chr5-112838937-G-T. GRCh37 (hg19) VCF-style: chr5-112174634-G-T.
Other names: c.3373G>T, p.Val1125Leu (NM_001354897.2); c.3268G>T, p.Val1090Leu (NM_001354898.2); c.3259G>T, p.Val1087Leu (NM_001354899.2); c.3220G>T, p.Val1074Leu (NM_001354900.2); c.3166G>T, p.Val1056Leu (NM_001354901.2); c.3070G>T, p.Val1024Leu (NM_001354902.2); c.3040G>T, p.Val1014Leu (NM_001354903.2); c.2965G>T, p.Val989Leu (NM_001354904.2); and 5 more; short protein forms V955L, V1087L, V1125L, V989L, V1014L, V1056L, V1074L, V1024L.
Identifiers: ClinVar variation 1505174 (VCV001505174.8), dbSNP rs763392909, ClinGen allele CA16028660.